The following is an entry in ClinVar:

NM_012330.4(KAT6B):c.5984A>C (p.Tyr1995Ser)

Gene: KAT6B (lysine acetyltransferase 6B; plus strand). Cytogenetic location: 10q22.2.
Variant type: single nucleotide variant.
Coding change: c.5984A>C on transcript NM_012330.4 (MANE Select); coding-DNA position 5984, A replaced by C.
Protein change: p.Tyr1995Ser; replaces tyrosine 1995 with serine.
Molecular consequence: missense variant.
Genome position (GRCh38, 1-based): chr10:75,030,808, A>C. VCF-style: chr10-75030808-A-C. GRCh37 (hg19) VCF-style: chr10-76790566-A-C.
Other names: c.5435A>C, p.Tyr1812Ser (NM_001256468.2, NM_001370138.1); c.5108A>C, p.Tyr1703Ser (NM_001256469.2, NM_001370139.1, NM_001370140.1 and 2 more transcripts); c.4946A>C, p.Tyr1649Ser (NM_001370132.1); c.4295A>C, p.Tyr1432Ser (NM_001370133.1); c.3899A>C, p.Tyr1300Ser (NM_001370134.1); c.3641A>C, p.Tyr1214Ser (NM_001370135.1); c.5984A>C, p.Tyr1995Ser (NM_001370136.1, NM_001370137.1); c.4919A>C, p.Tyr1640Ser (NM_001370143.1, NM_001370144.1); short protein forms Y1812S, Y1995S, Y1300S, Y1640S, Y1214S, Y1432S, Y1649S, Y1703S.
Identifiers: ClinVar variation 2255899 (VCV002255899.5), dbSNP rs1465345668, ClinGen allele CA377302686.

ClinVar aggregate classification (germline): Uncertain significance. Review status: criteria provided, multiple submitters, no conflicts (2 of 4 stars). 2 submissions from 2 submitters: Uncertain significance (2). Last evaluated 2023-07-13.

Conditions:
Genitopatellar syndrome (GTPTS). Also called: Genitopatellar syndrome (GPS); ABSENT PATELLAE, SCROTAL HYPOPLASIA, RENAL ANOMALIES, FACIAL DYSMORPHISM, AND MENTAL RETARDATION. Identifiers: Orphanet 85201, MedGen C1853566, MONDO:0011640, OMIM 606170.
Inborn genetic diseases. Identifiers: MedGen C0950123, MeSH D030342.

Allele frequency attached by ClinVar (database versions not stated): TOPMed 0.00001; gnomAD 0.00002.
gnomAD v4.1: 4 of 1,614,130 alleles (0.00025%); highest among the groups gnomAD compares: Non-Finnish European, 0.00025%; no homozygotes.

Submissions (2):

Labcorp Genetics (formerly Invitae), Labcorp
Classification: Uncertain significance for Genitopatellar syndrome. Last evaluated: 2023-07-13. Review status: criteria provided, single submitter. Criteria: Invitae Variant Classification Sherloc (09022015). Collection method: clinical testing. Allele origin: germline.
Comment: This sequence change replaces tyrosine, which is neutral and polar, with serine, which is neutral and polar, at codon 1995 of the KAT6B protein (p.Tyr1995Ser). In summary, the available evidence is currently insufficient to determine the role of this variant in disease. Therefore, it has been classified as a Variant of Uncertain Significance. An algorithm developed to predict the effect of missense changes on protein structure and function (PolyPhen-2) suggests that this variant is likely to be disruptive. ClinVar contains an entry for this variant (Variation ID: 2255899). This variant has not been reported in the literature in individuals affected with KAT6B-related conditions. This variant is present in population databases (no rsID available, gnomAD 0.0009%).

Ambry Genetics
Classification: Uncertain significance for Inborn genetic diseases. Last evaluated: 2021-10-20. Review status: criteria provided, single submitter. Criteria: Ambry Variant Classification Scheme 2023. Collection method: clinical testing. Allele origin: germline.